The following is an entry in ClinVar:

NM_003238.6(TGFB2):c.1144T>C (p.Ser382Pro)

Gene: TGFB2 (transforming growth factor beta 2; plus strand). Cytogenetic location: 1q41.
Variant type: single nucleotide variant.
Coding change: c.1144T>C on transcript NM_003238.6 (MANE Select); coding-DNA position 1144, T replaced by C.
Protein change: p.Ser382Pro; replaces serine 382 with proline.
Molecular consequence: missense variant. On other transcripts: non-coding transcript variant (2).
Genome position (GRCh38, 1-based): chr1:218,441,261, T>C. VCF-style: chr1-218441261-T-C. GRCh37 (hg19) VCF-style: chr1-218614603-T-C.
Other names: c.1228T>C, p.Ser410Pro (NM_001135599.4); short protein forms S382P, S410P.
Identifiers: ClinVar variation 4865648 (VCV004865648.1).
Genomic context (GRCh38, chr1:218,441,261, plus strand): 5'-CAGGTCCTGAGCTTATATAATACCATAAATCCAGAAGCATCTGCTTCTCCTTGCTGCGTG[T>C]CCCAAGATTTAGAACCTCTAACCATTCTCTACTACATTGGCAAAACACCCAAGATTGAAC-3'
Protein context (NP_003229.1, residues 372-392): PEASASPCCV[Ser382Pro]QDLEPLTILY

ClinVar aggregate classification (germline): Uncertain significance (1 of 4 stars; one submission).

Conditions:
Familial thoracic aortic aneurysm and aortic dissection (TAAD). Also called: Thoracic aortic aneurysms and dissections. Identifiers: Orphanet 91387, MedGen C4707243, MONDO:0019625.

gnomAD v4.1: 2 of 1,613,892 alleles (0.00012%); highest among the groups gnomAD compares: Non-Finnish European, 0.00017%; no homozygotes.

Submission:

Ambry Genetics
Classification: Uncertain significance for Familial thoracic aortic aneurysm and aortic dissection. Last evaluated: 2026-06-12. Review status: criteria provided, single submitter. Criteria: Ambry Variant Classification Scheme 2023. Collection method: clinical testing. Allele origin: germline.
Comment: The p.S382P variant (also known as c.1144T>C), located in coding exon 7 of the TGFB2 gene, results from a T to C substitution at nucleotide position 1144. The serine at codon 382 is replaced by proline, an amino acid with similar properties. This amino acid position is conserved. In addition, this alteration is predicted to be tolerated by in silico analysis. Based on the available evidence, the clinical significance of this variant remains unclear.